The following is an entry in ClinVar:

NM_000059.4(BRCA2):c.1223T>C (p.Met408Thr)

Gene: BRCA2 (BRCA2 DNA repair associated; plus strand). Cytogenetic location: 13q13.1.
Variant type: single nucleotide variant.
Coding change: c.1223T>C on transcript NM_000059.4 (MANE Select); coding-DNA position 1223, T replaced by C.
Protein change: p.Met408Thr; replaces methionine 408 with threonine.
Molecular consequence: missense variant.
Genome position (GRCh38, 1-based): chr13:32,332,701, T>C. VCF-style: chr13-32332701-T-C. GRCh37 (hg19) VCF-style: chr13-32906838-T-C.
Other names: short protein forms M408T.
Identifiers: ClinVar variation 371837 (VCV000371837.17), dbSNP rs1057517562, ClinGen allele CA16042137.

ClinVar aggregate classification (germline): Conflicting classifications of pathogenicity. Review status: criteria provided, conflicting classifications (1 of 4 stars). 5 submissions from 5 submitters: Uncertain significance (3); Likely benign (1). 1 of the submissions does not count toward it. Last evaluated 2024-03-19.

Conditions:
Hereditary cancer-predisposing syndrome. Also called: Tumor predisposition; Hereditary Cancer Syndrome; Hereditary neoplastic syndrome; Neoplastic Syndromes, Hereditary. Identifiers: Orphanet 140162, MedGen C0027672, MeSH D009386, MONDO:0015356.
Hereditary breast ovarian cancer syndrome. Also called: Hereditary breast and ovarian cancer; Hereditary breast and/or ovarian cancer syndrome; Hereditary breast and ovarian cancer syndrome (HBOC); Breast and ovarian cancer; BRCA1- and BRCA2-Associated Hereditary Breast and Ovarian Cancer; Hereditary breast and ovarian cancer syndrome. Identifiers: Orphanet 145, MedGen C0677776, MeSH D061325, MONDO:0003582. Disease mechanism: loss of function.
Breast-ovarian cancer, familial, susceptibility to, 2 (BROVCA2). Also called: BRCA2 Hereditary Breast and Ovarian Cancer. Identifiers: Orphanet 145, MedGen C2675520, MONDO:0012933, OMIM 612555. Disease mechanism: loss of function.

Submissions (5):

Labcorp Genetics (formerly Invitae), Labcorp
Classification: Uncertain significance for Hereditary breast ovarian cancer syndrome. Last evaluated: 2024-03-19. Review status: criteria provided, single submitter. Criteria: Invitae Variant Classification Sherloc (09022015). Collection method: clinical testing. Allele origin: germline.
Comment: This sequence change replaces methionine, which is neutral and non-polar, with threonine, which is neutral and polar, at codon 408 of the BRCA2 protein (p.Met408Thr). This variant is not present in population databases (gnomAD no frequency). This missense change has been observed in individual(s) with esophageal cancer (PMID: 22126563). ClinVar contains an entry for this variant (Variation ID: 371837). Advanced modeling of protein sequence and biophysical properties (such as structural, functional, and spatial information, amino acid conservation, physicochemical variation, residue mobility, and thermodynamic stability) performed at Invitae indicates that this missense variant is not expected to disrupt BRCA2 protein function with a negative predictive value of 95%. In summary, the available evidence is currently insufficient to determine the role of this variant in disease. Therefore, it has been classified as a Variant of Uncertain Significance.

All of Us Research Program, National Institutes of Health
Classification: Uncertain significance for Breast-ovarian cancer, familial, susceptibility to, 2. Last evaluated: 2023-08-15. Review status: criteria provided, single submitter. Criteria: ACMG Guidelines, 2015. Collection method: clinical testing. Allele origin: germline. Inheritance: Autosomal dominant inheritance. Observed: 1 variant allele, 1 heterozygote.
Comment: This study involves interpretation of variants in research participants for the purpose of population health screening. Participant phenotype was not available at the time of variant classification. Additional details can be found in publication PMID: 35346344, PMCID: PMC8962531

University of Washington Department of Laboratory Medicine, University of Washington
Classification: Likely benign for Hereditary cancer-predisposing syndrome. Last evaluated: 2023-03-23. Review status: criteria provided, single submitter. Criteria: Dines et al. (Genet Med. 2020). Collection method: curation. Allele origin: germline.
Comment: Missense variant in a coldspot region where missense variants are very unlikely to be pathogenic (PMID:31911673).

BRCA2 exon 10 coldspot. Reclassification based on statistical prior probability.

Ambry Genetics
Classification: Uncertain significance for Hereditary cancer-predisposing syndrome. Last evaluated: 2019-11-13. Review status: criteria provided, single submitter. Criteria: Ambry Variant Classification Scheme 2023. Collection method: clinical testing. Allele origin: germline.
Comment: The p.M408T variant (also known as c.1223T>C), located in coding exon 9 of the BRCA2 gene, results from a T to C substitution at nucleotide position 1223. The methionine at codon 408 is replaced by threonine, an amino acid with similar properties. This amino acid position is not well conserved in available vertebrate species. In addition, this alteration is predicted to be tolerated by in silico analysis. Since supporting evidence is limited at this time, the clinical significance of this alteration remains unclear.

Counsyl
Classification: Uncertain significance for Breast-ovarian cancer, familial, susceptibility to, 2. Last evaluated: 2016-04-20. Review status: no assertion criteria provided. Collection method: clinical testing. Allele origin: unknown. Not counted in ClinVar's aggregate classification.

Literature cited by the submitters: PubMed 22126563 (cited by Labcorp Genetics (formerly Invitae), Labcorp and Counsyl).